The following is an entry in ClinVar:

NM_006767.4(LZTR1):c.389T>A (p.Met130Lys)

Gene: LZTR1 (leucine zipper like post translational regulator 1; plus strand). Cytogenetic location: 22q11.21.
Variant type: single nucleotide variant.
Coding change: c.389T>A on transcript NM_006767.4 (MANE Select); coding-DNA position 389, T replaced by A.
Protein change: p.Met130Lys; replaces methionine 130 with lysine.
Molecular consequence: missense variant.
Genome position (GRCh38, 1-based): chr22:20,987,572, T>A. VCF-style: chr22-20987572-T-A. GRCh37 (hg19) VCF-style: chr22-21341861-T-A.
Other names: short protein forms M130K.
Identifiers: ClinVar variation 2862429 (VCV002862429.3), dbSNP rs1924440711, ClinGen allele CA410779436.

ClinVar aggregate classification (germline): Uncertain significance (1 of 4 stars; one submission).

Submission:

Labcorp Genetics (formerly Invitae), Labcorp
Classification: Uncertain significance. Last evaluated: 2023-05-07. Review status: criteria provided, single submitter. Criteria: Invitae Variant Classification Sherloc (09022015). Collection method: clinical testing. Allele origin: germline.
Comment: In summary, the available evidence is currently insufficient to determine the role of this variant in disease. Therefore, it has been classified as a Variant of Uncertain Significance. Advanced modeling of protein sequence and biophysical properties (such as structural, functional, and spatial information, amino acid conservation, physicochemical variation, residue mobility, and thermodynamic stability) performed at Invitae indicates that this missense variant is not expected to disrupt LZTR1 protein function. This variant has not been reported in the literature in individuals affected with LZTR1-related conditions. This variant is not present in population databases (gnomAD no frequency). This sequence change replaces methionine, which is neutral and non-polar, with lysine, which is basic and polar, at codon 130 of the LZTR1 protein (p.Met130Lys).